The following is an entry in ClinVar:

NM_004273.5(CHST3):c.1166C>T (p.Ala389Val)

Gene: CHST3 (carbohydrate sulfotransferase 3; plus strand). Cytogenetic location: 10q22.1.
Variant type: single nucleotide variant.
Coding change: c.1166C>T on transcript NM_004273.5 (MANE Select); coding-DNA position 1166, C replaced by T.
Protein change: p.Ala389Val; replaces alanine 389 with valine.
Molecular consequence: missense variant.
Genome position (GRCh38, 1-based): chr10:72,008,197, C>T. VCF-style: chr10-72008197-C-T. GRCh37 (hg19) VCF-style: chr10-73767955-C-T.
Other names: short protein forms A389V.
Identifiers: ClinVar variation 1025788 (VCV001025788.6), dbSNP rs766952355, ClinGen allele CA5548212.

ClinVar aggregate classification (germline): Uncertain significance (1 of 4 stars; one submission).

Conditions:
Spondyloepiphyseal dysplasia with congenital joint dislocations (SEDCJD). Also called: Chondrodysplasia with Congenital Joint Dislocations, CHST3-Related. Identifiers: Orphanet 263463, MedGen C1837657, MONDO:0007738, OMIM 143095.

Allele frequency attached by ClinVar (database versions not stated): gnomAD 0.00002; gnomAD exomes 0.00002; TOPMed 0.00003; ExAC 0.00012.
gnomAD v4.1: 13 of 1,550,528 alleles (0.00084%); highest among the groups gnomAD compares: South Asian, 0.0059%; no homozygotes.

Submission:

Labcorp Genetics (formerly Invitae), Labcorp
Classification: Uncertain significance for Spondyloepiphyseal dysplasia with congenital joint dislocations. Last evaluated: 2023-11-27. Review status: criteria provided, single submitter. Criteria: Invitae Variant Classification Sherloc (09022015). Collection method: clinical testing. Allele origin: germline.
Comment: This sequence change replaces alanine, which is neutral and non-polar, with valine, which is neutral and non-polar, at codon 389 of the CHST3 protein (p.Ala389Val). This variant is present in population databases (rs766952355, gnomAD 0.009%). This variant has not been reported in the literature in individuals affected with CHST3-related conditions. ClinVar contains an entry for this variant (Variation ID: 1025788). Advanced modeling of protein sequence and biophysical properties (such as structural, functional, and spatial information, amino acid conservation, physicochemical variation, residue mobility, and thermodynamic stability) performed at Invitae indicates that this missense variant is not expected to disrupt CHST3 protein function with a negative predictive value of 80%. In summary, the available evidence is currently insufficient to determine the role of this variant in disease. Therefore, it has been classified as a Variant of Uncertain Significance.